The following is an entry in ClinVar:

ClinVar aggregate classification (germline): Uncertain significance (1 of 4 stars; one submission).

Allele frequency attached by ClinVar (database versions not stated): gnomAD exomes below 0.00001; ESP Exome Variant Server 0.00008.
gnomAD v4.1: 2 of 1,613,966 alleles (0.00012%); highest among the groups gnomAD compares: Non-Finnish European, 0.000085%; no homozygotes.

Submission:

Labcorp Genetics (formerly Invitae), Labcorp
Classification: Uncertain significance. Last evaluated: 2022-02-04. Review status: criteria provided, single submitter. Criteria: Invitae Variant Classification Sherloc (09022015). Collection method: clinical testing. Allele origin: germline.
Comment: This sequence change replaces serine, which is neutral and polar, with cysteine, which is neutral and slightly polar, at codon 641 of the WHRN protein (p.Ser641Cys). This variant is not present in population databases (gnomAD no frequency). This variant has not been reported in the literature in individuals affected with WHRN-related conditions. Algorithms developed to predict the effect of missense changes on protein structure and function (SIFT, PolyPhen-2, Align-GVGD) all suggest that this variant is likely to be tolerated. In summary, the available evidence is currently insufficient to determine the role of this variant in disease. Therefore, it has been classified as a Variant of Uncertain Significance.

NM_015404.4(WHRN):c.1922C>G (p.Ser641Cys)

Gene: WHRN (whirlin; minus strand). Cytogenetic location: 9q32.
Variant type: single nucleotide variant.
Coding change: c.1922C>G on transcript NM_015404.4 (MANE Select); coding-DNA position 1922, C replaced by G.
Protein change: p.Ser641Cys; replaces serine 641 with cysteine.
Molecular consequence: missense variant.
Genome position (GRCh38, 1-based): chr9:114,406,669, G>C on the plus strand (C>G on the coding strand, the complement: WHRN is on the minus strand). VCF-style: chr9-114406669-G-C. GRCh37 (hg19) VCF-style: chr9-117168949-G-C.
Other names: c.773C>G, p.Ser258Cys (NM_001083885.3); c.1922C>G, p.Ser641Cys (NM_001173425.2); c.869C>G, p.Ser290Cys (NM_001346890.1); short protein forms S258C, S290C, S641C.
Identifiers: ClinVar variation 2092877 (VCV002092877.4), dbSNP rs377631924, ClinGen allele CA198650138.
Genomic context (GRCh38, chr9:114,406,669, plus strand): 5'-GAGCTGGGGTTGGCAGGGGAGACGGAGGCATAGATGGGGGAAGAGGGCAAGTCCTGTGCA[G>C]AGGAGGTCCCTGGGGTGGGTGCGGTGCCCGCTGGCGGGCTGCGGTTCTGTGGAGCCGAGA-3'
Protein context (NP_056219.3, residues 631-651): AGTAPTPGTS[Ser641Cys]AQDLPSSPIY